The following is an entry in ClinVar:

NM_005629.4(SLC6A8):c.964G>C (p.Gly322Arg)

Gene: SLC6A8 (solute carrier family 6 member 8; plus strand). Cytogenetic location: Xq28.
Variant type: single nucleotide variant.
Coding change: c.964G>C on transcript NM_005629.4 (MANE Select); coding-DNA position 964, G replaced by C.
Protein change: p.Gly322Arg; replaces glycine 322 with arginine.
Molecular consequence: missense variant.
Genome position (GRCh38, 1-based): chrX:153,693,314, G>C. VCF-style: chrX-153693314-G-C. GRCh37 (hg19) VCF-style: chrX-152958769-G-C.
Other names: c.964G>C, p.Gly322Arg (NM_001142805.2); c.619G>C, p.Gly207Arg (NM_001142806.1); short protein forms G207R, G322R.
Identifiers: ClinVar variation 968359 (VCV000968359.10), dbSNP rs1603216830, ClinGen allele CA415084653.
Genomic context (GRCh38, chrX:153,693,314, plus strand): 5'-CTTCTCTAGGTGTGGATAGATGCGGGGACCCAGATTTTCTTTTCTTACGCCATTGGCCTG[G>C]GGGCCCTCACAGCCCTGGGCAGCTACAACCGCTTCAACAACAACTGCTACAAGTAAGCAC-3'
Protein context (NP_005620.1, residues 312-332): QIFFSYAIGL[Gly322Arg]ALTALGSYNR

ClinVar aggregate classification (germline): Uncertain significance (1 of 4 stars; one submission).

Conditions:
Creatine transporter deficiency (CCDS1). Also called: Creatine Transporter (CRTR) Deficiency; Mental retardation , X-linked with seizures, short stature and midface hypoplasia; Mental retardation , X-linked, with creatine transport deficiency; X-linked creatine transporter deficiency; X-linked creatine deficiency syndrome; SLC6A8-Related Creatine Transporter Deficiency. Identifiers: Orphanet 52503, MedGen C1845862, MONDO:0010305, OMIM 300352.

Submission:

Labcorp Genetics (formerly Invitae), Labcorp
Classification: Uncertain significance for Creatine transporter deficiency. Last evaluated: 2022-07-25. Review status: criteria provided, single submitter. Criteria: Invitae Variant Classification Sherloc (09022015). Collection method: clinical testing. Allele origin: germline.
Comment: In summary, the available evidence is currently insufficient to determine the role of this variant in disease. Therefore, it has been classified as a Variant of Uncertain Significance. Advanced modeling of protein sequence and biophysical properties (such as structural, functional, and spatial information, amino acid conservation, physicochemical variation, residue mobility, and thermodynamic stability) performed at Invitae indicates that this missense variant is expected to disrupt SLC6A8 protein function. ClinVar contains an entry for this variant (Variation ID: 968359). This variant has not been reported in the literature in individuals affected with SLC6A8-related conditions. This variant is not present in population databases (gnomAD no frequency). This sequence change replaces glycine, which is neutral and non-polar, with arginine, which is basic and polar, at codon 322 of the SLC6A8 protein (p.Gly322Arg).